The following is an entry in ClinVar:

NM_002474.3(MYH11):c.604C>T (p.His202Tyr)

Gene: MYH11 (myosin heavy chain 11; minus strand). Cytogenetic location: 16p13.11.
Variant type: single nucleotide variant.
Coding change: c.604C>T on transcript NM_002474.3 (MANE Select); coding-DNA position 604, C replaced by T.
Protein change: p.His202Tyr; replaces histidine 202 with tyrosine.
Molecular consequence: missense variant.
Genome position (GRCh38, 1-based): chr16:15,786,659, G>A on the plus strand (C>T on the coding strand, the complement: MYH11 is on the minus strand). VCF-style: chr16-15786659-G-A. GRCh37 (hg19) VCF-style: chr16-15880516-G-A.
Other names: c.604C>T, p.His202Tyr (NM_001040113.2, NM_001040114.2, NM_022844.3); short protein forms H202Y.
Identifiers: ClinVar variation 2773874 (VCV002773874.4), dbSNP rs2506656224, ClinGen allele CA394873605.
Genomic context (GRCh38, chr16:15,786,659, plus strand): 5'-TCATGGCCTCTGATTGGGAACTGCCACTCACCGTGATACTTGTGTCTTTCTTGCCCTTGT[G>A]GGAGGAGGCCACCACGGCCAGGTACTGAATGACCTTCTTGGTGTTTTCGGTTTTCCCGGC-3'
Protein context (NP_002465.1, residues 192-212): IQYLAVVASS[His202Tyr]KGKKDTSITG

ClinVar aggregate classification (germline): Uncertain significance. Review status: criteria provided, multiple submitters, no conflicts (2 of 4 stars). 2 submissions from 2 submitters: Uncertain significance (2). Last evaluated 2024-07-29.

Conditions:
Familial thoracic aortic aneurysm and aortic dissection (TAAD). Also called: Thoracic aortic aneurysms and dissections. Identifiers: Orphanet 91387, MedGen C4707243, MONDO:0019625.

Submissions (2):

All of Us Research Program, National Institutes of Health
Classification: Uncertain significance for Familial thoracic aortic aneurysm and aortic dissection. Last evaluated: 2024-07-29. Review status: criteria provided, single submitter. Criteria: ACMG Guidelines, 2015. Collection method: clinical testing. Allele origin: germline. Inheritance: Autosomal dominant inheritance. Observed: 2 variant alleles, 2 heterozygotes.
Comment: This missense variant replaces histidine with tyrosine at codon 202 of the MYH11 protein. Computational prediction suggests that this variant may have deleterious impact on protein structure and function (internally defined REVEL score threshold >= 0.7, PMID: 27666373). To our knowledge, functional studies have not been reported for this variant. This variant has not been reported in individuals affected with cardiovascular disorders in the literature. This variant has not been identified in the general population by the Genome Aggregation Database (gnomAD). The available evidence is insufficient to determine the role of this variant in disease conclusively. Therefore, this variant is classified as a Variant of Uncertain Significance.

This study involves interpretation of variants in research participants for the purpose of population health screening. Participant phenotype was not available at the time of variant classification. Additional details can be found in publication PMID: 35346344, PMCID: PMC8962531

Color Diagnostics, LLC DBA Color Health
Classification: Uncertain significance for Familial thoracic aortic aneurysm and aortic dissection. Last evaluated: 2024-03-07. Review status: criteria provided, single submitter. Criteria: ACMG Guidelines, 2015. Collection method: clinical testing. Allele origin: germline.
Comment: This missense variant replaces histidine with tyrosine at codon 202 of the MYH11 protein. Computational prediction suggests that this variant may have deleterious impact on protein structure and function (internally defined REVEL score threshold >= 0.7, PMID: 27666373). To our knowledge, functional studies have not been reported for this variant. This variant has not been reported in individuals affected with cardiovascular disorders in the literature. This variant has not been identified in the general population by the Genome Aggregation Database (gnomAD). The available evidence is insufficient to determine the role of this variant in disease conclusively. Therefore, this variant is classified as a Variant of Uncertain Significance.